The following is an entry in ClinVar:

ClinVar aggregate classification (germline): Likely benign. Review status: criteria provided, single submitter (1 of 4 stars). 2 submissions from 2 submitters: Likely benign (1). 1 of the submissions does not count toward it. Last evaluated 2026-08-01.

Conditions:
CELF2-related disorder. Also called: CELF2-related condition.

Allele frequency attached by ClinVar (database versions not stated): gnomAD 0.00072; ExAC 0.00080; TOPMed 0.00083; 1000 Genomes Project 0.00100; 1000 Genomes Project 30x 0.00109; gnomAD exomes 0.00121; ESP Exome Variant Server 0.00128.
gnomAD v4.1: 1,862 of 1,613,952 alleles (0.12%); highest among the groups gnomAD compares: Non-Finnish European, 0.14%; 2 homozygotes.

Submissions (2):

CeGaT Center for Human Genetics Tuebingen
Classification: Likely benign. Last evaluated: 2026-08-01. Review status: criteria provided, single submitter. Criteria: CeGaT Center For Human Genetics Tuebingen Variant Classification Criteria Version 2. Collection method: clinical testing. Allele origin: germline. Affected: yes. Observed: 7 variant alleles.
Comment: CELF2: PP2, BS1

PreventionGenetics, part of Exact Sciences
Classification: Likely benign for CELF2-related condition. Last evaluated: 2022-05-24. Review status: no assertion criteria provided. Collection method: clinical testing. Allele origin: germline. Not counted in ClinVar's aggregate classification.
Comment: This variant is classified as likely benign based on ACMG/AMP sequence variant interpretation guidelines (Richards et al. 2015 PMID: 25741868, with internal and published modifications).

NM_001326342.2(CELF2):c.923A>G (p.Asn308Ser)

Gene: CELF2 (CUGBP Elav-like family member 2; plus strand). Cytogenetic location: 10p14.
Variant type: single nucleotide variant.
Coding change: c.923A>G on transcript NM_001326342.2 (MANE Select); coding-DNA position 923, A replaced by G.
Protein change: p.Asn308Ser; replaces asparagine 308 with serine.
Molecular consequence: missense variant.
Genome position (GRCh38, 1-based): chr10:11,288,499, A>G. VCF-style: chr10-11288499-A-G. GRCh37 (hg19) VCF-style: chr10-11330462-A-G.
Other names: c.923A>G, p.Asn308Ser (NM_001326343.2, NM_001394513.1, NM_001394518.1 and 4 more transcripts); c.830A>G, p.Asn277Ser (NM_001326344.2, NM_001326345.2, NM_001326348.2 and 15 more transcripts); c.218A>G, p.Asn73Ser (NM_001326346.2, NM_001326333.2); c.854A>G, p.Asn285Ser (NM_001326347.1); c.902A>G, p.Asn301Ser (NM_001394502.1, NM_001326331.2, NM_001326332.2 and 4 more transcripts); c.938A>G, p.Asn313Ser (NM_001326327.2, NM_001326326.2); c.569A>G, p.Asn190Ser (NM_001326338.2, NM_001326339.2); c.995A>G, p.Asn332Ser (NM_001326325.2); and 1 more; short protein forms N190S, N277S, N285S, N301S, N308S, N313S, N332S, N73S.
Identifiers: ClinVar variation 2640299 (VCV002640299.25), dbSNP rs41291249, ClinGen allele CA5404937.
Genomic context (GRCh38, chr10:11,288,499, plus strand): 5'-AGAACCTGGCGACGCTGGCTGCTGCTGCAGCTGCGGCCCAGACCTCAGCCACCAGCACCA[A>G]TGCAAACCCTCTCTCTACCACGAGCAGCGCCCTGGGAGCCCTCACGAGTCCCGGTGAGTG-3'
Protein context (NP_001313271.1, residues 298-318): AAAQTSATST[Asn308Ser]ANPLSTTSSA